The following is an entry in ClinVar:

ClinVar aggregate classification (germline): Uncertain significance. Review status: criteria provided, multiple submitters, no conflicts (2 of 4 stars). 2 submissions from 2 submitters: Uncertain significance (2). Last evaluated 2025-07-15.

Conditions:
Cardiovascular phenotype. Identifiers: MedGen CN230736.
Hereditary cancer-predisposing syndrome. Also called: Hereditary Cancer Syndrome; Tumor predisposition; Neoplastic Syndromes, Hereditary; Hereditary neoplastic syndrome. Identifiers: Orphanet 140162, MedGen C0027672, MeSH D009386, MONDO:0015356.
Neurofibromatosis, type 1 (NF1). Also called: VON RECKLINGHAUSEN DISEASE; Neurofibromatosis, type I; NEUROFIBROMATOSIS, TYPE I, SOMATIC; Peripheral type neurofibromatosis. Identifiers: Orphanet 636, MedGen C0027831, MONDO:0018975, OMIM 162200. Disease mechanism: loss of function.

Submissions (2):

Ambry Genetics
Classification: Uncertain significance for Cardiovascular phenotype; Hereditary cancer-predisposing syndrome. Last evaluated: 2025-07-15. Review status: criteria provided, single submitter. Criteria: Ambry Variant Classification Scheme 2023. Collection method: clinical testing. Allele origin: germline.
Comment: The p.V951I variant (also known as c.2851G>A) is located in coding exon 22 of the NF1 gene. The valine at codon 951 is replaced by isoleucine, an amino acid with highly similar properties. This change occurs in the first base pair of coding exon 22. This amino acid position is highly conserved in available vertebrate species. In addition, this alteration is predicted to be tolerated by in silico analysis. Based on the available evidence, the clinical significance of this variant remains unclear.

Labcorp Genetics (formerly Invitae), Labcorp
Classification: Uncertain significance for Neurofibromatosis, type 1. Last evaluated: 2022-11-15. Review status: criteria provided, single submitter. Criteria: Invitae Variant Classification Sherloc (09022015). Collection method: clinical testing. Allele origin: germline.
Comment: ClinVar contains an entry for this variant (Variation ID: 649656). This variant has not been reported in the literature in individuals affected with NF1-related conditions. This variant is not present in population databases (gnomAD no frequency). This sequence change replaces valine, which is neutral and non-polar, with isoleucine, which is neutral and non-polar, at codon 951 of the NF1 protein (p.Val951Ile). In summary, the available evidence is currently insufficient to determine the role of this variant in disease. Therefore, it has been classified as a Variant of Uncertain Significance. Algorithms developed to predict the effect of sequence changes on RNA splicing suggest that this variant may create or strengthen a splice site. Algorithms developed to predict the effect of missense changes on protein structure and function are either unavailable or do not agree on the potential impact of this missense change (SIFT: "Tolerated"; PolyPhen-2: "Probably Damaging"; Align-GVGD: "Class C0").

NM_001042492.3(NF1):c.2851G>A (p.Val951Ile)

Gene: NF1 (neurofibromin 1; plus strand). Cytogenetic location: 17q11.2.
Variant type: single nucleotide variant.
Coding change: c.2851G>A on transcript NM_001042492.3 (MANE Select); coding-DNA position 2851, G replaced by A.
Protein change: p.Val951Ile; replaces valine 951 with isoleucine.
Molecular consequence: missense variant.
Genome position (GRCh38, 1-based): chr17:31,229,835, G>A. VCF-style: chr17-31229835-G-A. GRCh37 (hg19) VCF-style: chr17-29556853-G-A.
Other names: c.2851G>A, p.Val951Ile (NM_000267.4); short protein forms V951I.
Identifiers: ClinVar variation 649656 (VCV000649656.6), dbSNP rs1597716277, ClinGen allele CA398985948.